The following is an entry in ClinVar:

NM_019066.5(MAGEL2):c.54G>A (p.Pro18=)

Gene: MAGEL2 (MAGE family member L2; minus strand). Cytogenetic location: 15q11.2.
Variant type: single nucleotide variant.
Coding change: c.54G>A on transcript NM_019066.5 (MANE Select); coding-DNA position 54, G replaced by A.
Protein change: p.Pro18=; no amino-acid change (proline 18 retained).
Molecular consequence: synonymous variant.
Genome position (GRCh38, 1-based): chr15:23,647,689, C>T on the plus strand (G>A on the coding strand, the complement: MAGEL2 is on the minus strand). VCF-style: chr15-23647689-C-T. GRCh37 (hg19) VCF-style: chr15-23892836-C-T.
Identifiers: ClinVar variation 2881828 (VCV002881828.3), dbSNP rs2503985738, ClinGen allele CA2575650115.

ClinVar aggregate classification (germline): Uncertain significance (1 of 4 stars; one submission).

Submission:

Labcorp Genetics (formerly Invitae), Labcorp
Classification: Uncertain significance. Last evaluated: 2024-01-26. Review status: criteria provided, single submitter. Criteria: Invitae Variant Classification Sherloc (09022015). Collection method: clinical testing. Allele origin: germline.
Comment: This sequence change affects codon 18 of the MAGEL2 mRNA. It is a 'silent' change, meaning that it does not change the encoded amino acid sequence of the MAGEL2 protein. This variant is not present in population databases (gnomAD no frequency). This variant has not been reported in the literature in individuals affected with MAGEL2-related conditions. In summary, the available evidence is currently insufficient to determine the role of this variant in disease. Therefore, it has been classified as a Variant of Uncertain Significance.